The following is an entry in ClinVar:

ClinVar aggregate classification (germline): Uncertain significance (1 of 4 stars; one submission).

Submission:

Ambry Genetics
Classification: Uncertain significance. Last evaluated: 2023-05-23. Review status: criteria provided, single submitter. Criteria: Ambry Variant Classification Scheme 2023. Collection method: clinical testing. Allele origin: germline.
Comment: The p.C50S variant (also known as c.149G>C), located in coding exon 2 of the NPAT gene, results from a G to C substitution at nucleotide position 149. The cysteine at codon 50 is replaced by serine, an amino acid with dissimilar properties. This amino acid position is conserved. In addition, the in silico prediction for this alteration is inconclusive. Since supporting evidence is limited at this time, the clinical significance of this alteration remains unclear.

NM_002519.3(NPAT):c.149G>C (p.Cys50Ser)

Gene: NPAT (nuclear protein, coactivator of histone transcription; minus strand). Cytogenetic location: 11q22.3.
Variant type: single nucleotide variant.
Coding change: c.149G>C on transcript NM_002519.3 (MANE Select); coding-DNA position 149, G replaced by C.
Protein change: p.Cys50Ser; replaces cysteine 50 with serine.
Molecular consequence: missense variant.
Genome position (GRCh38, 1-based): chr11:108,197,309, C>G on the plus strand (G>C on the coding strand, the complement: NPAT is on the minus strand). VCF-style: chr11-108197309-C-G. GRCh37 (hg19) VCF-style: chr11-108068036-C-G.
Other names: c.149G>C, p.Cys50Ser (NM_001321307.1); short protein forms C50S.
Identifiers: ClinVar variation 2568012 (VCV002568012.2), dbSNP rs2496759890, ClinGen allele CA382527850.